The following is an entry in ClinVar:

ClinVar aggregate classification (germline): Pathogenic/Likely pathogenic. Review status: criteria provided, multiple submitters, no conflicts (2 of 4 stars). 4 submissions from 4 submitters: Pathogenic (2); Likely pathogenic (2). Last evaluated 2025-07-17.

Conditions:
VPS13B-related disorder. Also called: VPS13B-related condition.
Cohen syndrome (COH1). Also called: PEPPER SYNDROME; Cutis verticis gyrata, retinitis pigmentosa, and sensorineural deafness. Identifiers: Orphanet 193, MedGen C0265223, MONDO:0008999, OMIM 216550.

Submissions (4):

Natera, Inc.
Classification: Likely pathogenic for Cohen syndrome. Last evaluated: 2025-07-17. Review status: criteria provided, single submitter. Criteria: Natera Variant Classification Schema (03/2026). Collection method: clinical testing. Allele origin: germline.
Comment: The c.11884_11885dup variant in VPS13B is a frameshift variant predicted to shift the reading frame beginning at codon 3963 and leads to a stop codon 51 codons downstream. This variant is expected to result in nonsense mediated decay, truncation, or a dysfunctional protein product. This variant is rare in the general population with a frequency below the threshold expected for the associated phenotype(s). This variant has been observed in one or more individuals affected with the associated recessive disease, as either homozygous or compound heterozygous with a second variant (PMID: 34946966, 37940764). Given the available evidence, this variant is classified as Likely Pathogenic.

Labcorp Genetics (formerly Invitae), Labcorp
Classification: Pathogenic for Cohen syndrome. Last evaluated: 2024-04-25. Review status: criteria provided, single submitter. Criteria: Invitae Variant Classification Sherloc (09022015). Collection method: clinical testing. Allele origin: germline.
Comment: This sequence change creates a premature translational stop signal (p.Thr3963Argfs*51) in the VPS13B gene. While this is not anticipated to result in nonsense mediated decay, it is expected to disrupt the last 60 amino acid(s) of the VPS13B protein. This variant is present in population databases (no rsID available, gnomAD 0.007%). This variant has not been reported in the literature in individuals affected with VPS13B-related conditions. ClinVar contains an entry for this variant (Variation ID: 1325343). This variant disrupts a region of the VPS13B protein in which other variant(s) (p.Pro3969Leufs*41) have been determined to be pathogenic (Invitae). This suggests that this is a clinically significant region of the protein, and that variants that disrupt it are likely to be disease-causing. For these reasons, this variant has been classified as Pathogenic.

Revvity Omics, Revvity
Classification: Likely pathogenic for Cohen syndrome. Last evaluated: 2021-06-24. Review status: criteria provided, single submitter. Criteria: ACMG Guidelines, 2015. Collection method: clinical testing. Allele origin: germline.

Blueprint Genetics
Classification: Pathogenic for VPS13B-related disorders. Last evaluated: 2020-02-27. Review status: criteria provided, single submitter. Criteria: ACMG Guidelines, 2015. Collection method: clinical testing. Allele origin: germline. Affected: yes. Observed: 4 variant alleles.

Literature cited by the submitters: PubMed 34946966 (cited by Natera, Inc.); PubMed 37940764 (cited by Natera, Inc.).

NM_152564.5(VPS13B):c.11809_11810dup (p.Thr3938fs)

Gene: VPS13B (vacuolar protein sorting 13 homolog B; plus strand). Cytogenetic location: 8q22.2.
Variant type: Duplication.
Coding change: c.11809_11810dup on transcript NM_152564.5 (MANE Select); coding-DNA positions 11809 to 11810, 2 bases duplicated (AA; older notation c.11809_11810dupAA).
Protein change: p.Thr3938fs; shifts the reading frame from threonine 3938.
Molecular consequence: frameshift variant.
Genome position (GRCh38, 1-based): chr8:99,875,481-99,875,482, AA duplicated; duplicating any 2 consecutive bases within chr8:99,875,480-99,875,482 gives the same sequence; the c. name uses the placement nearest the transcript's 3' end. VCF-style (leftmost placement, unchanged base first): chr8-99875479-C-CAA. GRCh37 (hg19) VCF-style: chr8-100887707-C-CAA.
Other names: c.11884_11885dup, p.Thr3963fs (NM_017890.5); short protein forms T3938fs, T3963fs.
Identifiers: ClinVar variation 1325343 (VCV001325343.10), dbSNP rs1371736348, ClinGen allele CA583856885.